The following is an entry in ClinVar:

NM_152594.3(SPRED1):c.1127T>C (p.Leu376Ser)

Gene: SPRED1 (sprouty related EVH1 domain containing 1; plus strand). Cytogenetic location: 15q14.
Variant type: single nucleotide variant.
Coding change: c.1127T>C on transcript NM_152594.3 (MANE Select); coding-DNA position 1127, T replaced by C.
Protein change: p.Leu376Ser; replaces leucine 376 with serine.
Molecular consequence: missense variant.
Genome position (GRCh38, 1-based): chr15:38,351,456, T>C. VCF-style: chr15-38351456-T-C. GRCh37 (hg19) VCF-style: chr15-38643657-T-C.
Other names: short protein forms L376S.
Identifiers: ClinVar variation 3961400 (VCV003961400.1).

ClinVar aggregate classification (germline): Uncertain significance (1 of 4 stars; one submission).

Conditions:
Cardiovascular phenotype. Identifiers: MedGen CN230736.

Submission:

Ambry Genetics
Classification: Uncertain significance for Cardiovascular phenotype. Last evaluated: 2025-05-22. Review status: criteria provided, single submitter. Criteria: Ambry Variant Classification Scheme 2023. Collection method: clinical testing. Allele origin: germline.
Comment: The p.L376S variant (also known as c.1127T>C), located in coding exon 7 of the SPRED1 gene, results from a T to C substitution at nucleotide position 1127. The leucine at codon 376 is replaced by serine, an amino acid with dissimilar properties. This amino acid position is conserved. In addition, this alteration is predicted to be deleterious by in silico analysis. Based on the available evidence, the clinical significance of this variant remains unclear.